The following is an entry in ClinVar:

ClinVar aggregate classification (germline): Uncertain significance. Review status: criteria provided, multiple submitters, no conflicts (2 of 4 stars). 3 submissions from 3 submitters: Uncertain significance (3). Last evaluated 2026-08-20.

Conditions:
Retinoblastoma (RB1). Also called: RETINOBLASTOMA, SOMATIC. Identifiers: Orphanet 790, MedGen C0035335, MeSH D012175, MONDO:0008380, OMIM 180200, HP:0009919. Disease mechanism: loss of function. Inheritance: Both sporadic and heritable forms are tested..
Hereditary cancer-predisposing syndrome. Also called: Hereditary Cancer Syndrome; Hereditary neoplastic syndrome; Neoplastic Syndromes, Hereditary; Tumor predisposition. Identifiers: Orphanet 140162, MedGen C0027672, MeSH D009386, MONDO:0015356.

Submissions (3):

Ambry Genetics
Classification: Uncertain significance for Hereditary cancer-predisposing syndrome. Last evaluated: 2026-08-20. Review status: criteria provided, single submitter. Criteria: Ambry Variant Classification Scheme 2023. Collection method: clinical testing. Allele origin: germline.
Comment: The p.D270V variant (also known as c.809A>T), located in coding exon 8 of the RB1 gene, results from an A to T substitution at nucleotide position 809. The aspartic acid at codon 270 is replaced by valine, an amino acid with highly dissimilar properties. This amino acid position is highly conserved in available vertebrate species. In addition, this alteration is predicted to be deleterious by in silico analysis. Based on the available evidence, the clinical significance of this variant remains unclear.

All of Us Research Program, National Institutes of Health
Classification: Uncertain significance for Retinoblastoma. Last evaluated: 2023-12-01. Review status: criteria provided, single submitter. Criteria: ACMG Guidelines, 2015. Collection method: clinical testing. Allele origin: germline. Inheritance: Autosomal dominant inheritance. Observed: 2 variant alleles, 2 heterozygotes.
Comment: This missense variant replaces aspartic acid with valine at codon 270 of the RB1 protein. Computational prediction suggests that this variant may have deleterious impact on protein structure and function (internally defined REVEL score threshold >= 0.7, PMID: 27666373). To our knowledge, functional studies have not been reported for this variant. This variant has not been reported in individuals affected with RB1-related disorders in the literature. This variant has not been identified in the general population by the Genome Aggregation Database (gnomAD). The available evidence is insufficient to determine the role of this variant in disease conclusively. Therefore, this variant is classified as a Variant of Uncertain Significance.

This study involves interpretation of variants in research participants for the purpose of population health screening. Participant phenotype was not available at the time of variant classification. Additional details can be found in publication PMID: 35346344, PMCID: PMC8962531

Labcorp Genetics (formerly Invitae), Labcorp
Classification: Uncertain significance for Retinoblastoma. Last evaluated: 2023-06-09. Review status: criteria provided, single submitter. Criteria: Invitae Variant Classification Sherloc (09022015). Collection method: clinical testing. Allele origin: germline.
Comment: Advanced modeling of protein sequence and biophysical properties (such as structural, functional, and spatial information, amino acid conservation, physicochemical variation, residue mobility, and thermodynamic stability) performed at Invitae indicates that this missense variant is not expected to disrupt RB1 protein function. In summary, the available evidence is currently insufficient to determine the role of this variant in disease. Therefore, it has been classified as a Variant of Uncertain Significance. This variant has not been reported in the literature in individuals affected with RB1-related conditions. This sequence change replaces aspartic acid, which is acidic and polar, with valine, which is neutral and non-polar, at codon 270 of the RB1 protein (p.Asp270Val). This variant is not present in population databases (gnomAD no frequency).

NM_000321.3(RB1):c.809A>T (p.Asp270Val)

Gene: RB1 (RB transcriptional corepressor 1; plus strand). Cytogenetic location: 13q14.2.
Variant type: single nucleotide variant.
Coding change: c.809A>T on transcript NM_000321.3 (MANE Select); coding-DNA position 809, A replaced by T.
Protein change: p.Asp270Val; replaces aspartic acid 270 with valine.
Molecular consequence: missense variant.
Genome position (GRCh38, 1-based): chr13:48,362,905, A>T. VCF-style: chr13-48362905-A-T. GRCh37 (hg19) VCF-style: chr13-48937041-A-T.
Other names: c.809A>T, p.Asp270Val (NM_001407165.1, NM_001407166.1); short protein forms D270V.
Identifiers: ClinVar variation 2887112 (VCV002887112.6), dbSNP rs2138112585, ClinGen allele CA388159521.